The following is an entry in ClinVar:

NM_000535.7(PMS2):c.2550_2552delinsCGCCA (p.Met850fs)

Gene: PMS2 (PMS1 homolog 2, mismatch repair system component; minus strand). Cytogenetic location: 7p22.1.
Variant type: Indel.
Coding change: c.2550_2552delinsCGCCA on transcript NM_000535.7 (MANE Select); coding-DNA positions 2550 to 2552, GAG replaced by CGCCA.
Protein change: p.Met850fs; shifts the reading frame from methionine 850.
Molecular consequence: frameshift variant. On other transcripts: non-coding transcript variant (1).
Genome position (GRCh38, 1-based): chr7:5,973,436-5,973,438, CTC replaced by TGGCG on the plus strand (GAG replaced by CGCCA on the coding strand, the reverse complement: PMS2 is on the minus strand). VCF-style: chr7-5973436-CTC-TGGCG. GRCh37 (hg19) VCF-style: chr7-6013067-CTC-TGGCG.
Other names: c.2145_2147delinsCGCCA, p.Met715fs (NM_001322003.2, NM_001322004.2, NM_001322005.2); c.2394_2396delinsCGCCA, p.Met798fs (NM_001322006.2); c.2232_2234delinsCGCCA, p.Met744fs (NM_001322007.2, NM_001322008.2); c.2178_2180delinsCGCCA, p.Met726fs (NM_001322009.2); c.1989_1991delinsCGCCA, p.Met663fs (NM_001322010.2); c.1617_1619delinsCGCCA, p.Met539fs (NM_001322011.2, NM_001322012.2); c.1977_1979delinsCGCCA, p.Met659fs (NM_001322013.2); c.2583_2585delinsCGCCA, p.Met861fs (NM_001322014.2); and 1 more; short protein forms M663fs, M747fs, M726fs, M744fs, M798fs, M861fs, M539fs, M850fs.
Identifiers: ClinVar variation 411072 (VCV000411072.10), dbSNP rs1064792975, ClinGen allele CA16612378.

ClinVar aggregate classification (germline): Uncertain significance (1 of 4 stars; one submission).

Conditions:
Hereditary nonpolyposis colorectal neoplasms. Identifiers: MedGen C0009405, MeSH D003123.

Submission:

Labcorp Genetics (formerly Invitae), Labcorp
Classification: Uncertain significance for Hereditary nonpolyposis colorectal neoplasms. Last evaluated: 2016-07-18. Review status: criteria provided, single submitter. Criteria: Invitae Variant Classification Sherloc (09022015). Collection method: clinical testing. Allele origin: germline.
Comment: This sequence change deletes 3 nucleotides and inserts 5 nucleotides in exon 15 of the PMS2 mRNA (c.2550_2552delinsCGCCA), causing a frameshift at codon 850. This is expected to alter the subsequent amino acid sequences, creating a new downstream translational stop signal in the last exon of the PMS2 mRNA after extending the length of the protein by 8 additional amino acid residues (p.Met850Ilefs*22). While this is not anticipated to result in nonsense mediated decay, the effect of this change on PMS2 protein function is unknown. This variant is not present in the population databases (ExAC no frequency) and has not been reported in the literature in individuals with a PMS2-related disease. However, the frequency data is considered unreliable due to the presence of a pseudogene that has strong homology to this region. In summary, this is a novel variant with uncertain impact on protein function. It has been classified as a Variant of Uncertain Significance.